The following is an entry in ClinVar:

ClinVar aggregate classification (germline): Uncertain significance (1 of 4 stars; one submission).

Conditions:
EGFR-related lung cancer (EGFR). Identifiers: MedGen CN130014.

Submission:

Labcorp Genetics (formerly Invitae), Labcorp
Classification: Uncertain significance for EGFR-related lung cancer. Last evaluated: 2024-04-29. Review status: criteria provided, single submitter. Criteria: Invitae Variant Classification Sherloc (09022015). Collection method: clinical testing. Allele origin: germline.
Comment: This sequence change falls in intron 16 of the EGFR gene. It does not directly change the encoded amino acid sequence of the EGFR protein. It affects a nucleotide within the consensus splice site. This variant is not present in population databases (gnomAD no frequency). This variant has not been reported in the literature in individuals affected with EGFR-related conditions. ClinVar contains an entry for this variant (Variation ID: 2071270). Variants that disrupt the consensus splice site are a relatively common cause of aberrant splicing (PMID: 17576681, 9536098). Algorithms developed to predict the effect of sequence changes on RNA splicing suggest that this variant may disrupt the consensus splice site. In summary, the available evidence is currently insufficient to determine the role of this variant in disease. Therefore, it has been classified as a Variant of Uncertain Significance.

Literature cited by the submitters: PubMed 17576681; PubMed 9536098.

NM_005228.5(EGFR):c.1919+5G>A

Gene: EGFR (epidermal growth factor receptor; plus strand). Cytogenetic location: 7p11.2.
Variant type: single nucleotide variant.
Coding change: c.1919+5G>A on transcript NM_005228.5 (MANE Select); 5 bases into the intron after coding-DNA position 1919, G replaced by A.
Molecular consequence: intron variant.
Genome position (GRCh38, 1-based): chr7:55,171,218, G>A. VCF-style: chr7-55171218-G-A. GRCh37 (hg19) VCF-style: chr7-55238911-G-A.
Other names: c.1784+5G>A (NM_001346899.2, NM_001346897.2); c.1118+5G>A (NM_001346941.2); c.1919+5G>A (NM_001346898.2); c.1760+5G>A (NM_001346900.2).
Identifiers: ClinVar variation 2071270 (VCV002071270.4), dbSNP rs2128951428, ClinGen allele CA2580077259.
Genomic context (GRCh38, chr7:55,171,218, plus strand): 5'-TCTTTCACTTCCTACAGATGCACTGGGCCAGGTCTTGAAGGCTGTCCAACGAATGGGTAA[G>A]TGTTCACAGCTCTGTGTCACATGGACCTCGTCAAGAATGACCACACTGCTGTGGGTGAAG-3'